The following is an entry in ClinVar:

NM_002075.4(GNB3):c.652T>C (p.Cys218Arg)

Gene: GNB3 (G protein subunit beta 3; plus strand). Cytogenetic location: 12p13.31.
Variant type: single nucleotide variant.
Coding change: c.652T>C on transcript NM_002075.4 (MANE Select); coding-DNA position 652, T replaced by C.
Protein change: p.Cys218Arg; replaces cysteine 218 with arginine.
Molecular consequence: missense variant.
Genome position (GRCh38, 1-based): chr12:6,843,931, T>C. VCF-style: chr12-6843931-T-C. GRCh37 (hg19) VCF-style: chr12-6953095-T-C.
Other names: c.649T>C, p.Cys217Arg (NM_001297571.2); short protein forms C218R, C217R.
Identifiers: ClinVar variation 2065444 (VCV002065444.4), dbSNP rs782433777, ClinGen allele CA383673623.

ClinVar aggregate classification (germline): Uncertain significance (1 of 4 stars; one submission).

gnomAD v4.1: 1 of 1,613,928 alleles (0.000062%); highest among the groups gnomAD compares: Non-Finnish European, 0.000085%; no homozygotes.

Submission:

Labcorp Genetics (formerly Invitae), Labcorp
Classification: Uncertain significance. Last evaluated: 2021-12-29. Review status: criteria provided, single submitter. Criteria: Invitae Variant Classification Sherloc (09022015). Collection method: clinical testing. Allele origin: germline.
Comment: This variant has not been reported in the literature in individuals affected with GNB3-related conditions. Algorithms developed to predict the effect of missense changes on protein structure and function are either unavailable or do not agree on the potential impact of this missense change (SIFT: "Tolerated"; PolyPhen-2: "Probably Damaging"; Align-GVGD: "Class C0"). In summary, the available evidence is currently insufficient to determine the role of this variant in disease. Therefore, it has been classified as a Variant of Uncertain Significance. This sequence change replaces cysteine, which is neutral and slightly polar, with arginine, which is basic and polar, at codon 218 of the GNB3 protein (p.Cys218Arg). This variant is not present in population databases (gnomAD no frequency).